The following is an entry in ClinVar:

ClinVar aggregate classification (germline): Uncertain significance (1 of 4 stars; one submission).

Conditions:
DICER1-related tumor predisposition. Also called: DICER1 syndrome; DICER1-related pleuropulmonary blastoma cancer predisposition syndrome. Identifiers: Orphanet 284343, MedGen C3839822, MONDO:0100216.

Submission:

Labcorp Genetics (formerly Invitae), Labcorp
Classification: Uncertain significance for DICER1-related tumor predisposition. Last evaluated: 2022-11-23. Review status: criteria provided, single submitter. Criteria: Invitae Variant Classification Sherloc (09022015). Collection method: clinical testing. Allele origin: germline.
Comment: In summary, the available evidence is currently insufficient to determine the role of this variant in disease. Therefore, it has been classified as a Variant of Uncertain Significance. Advanced modeling of protein sequence and biophysical properties (such as structural, functional, and spatial information, amino acid conservation, physicochemical variation, residue mobility, and thermodynamic stability) performed at Invitae indicates that this missense variant is expected to disrupt DICER1 protein function. ClinVar contains an entry for this variant (Variation ID: 1517204). This variant has not been reported in the literature in individuals affected with DICER1-related conditions. This variant is not present in population databases (gnomAD no frequency). This sequence change replaces leucine, which is neutral and non-polar, with serine, which is neutral and polar, at codon 1065 of the DICER1 protein (p.Leu1065Ser).

NM_177438.3(DICER1):c.3194T>C (p.Leu1065Ser)

Gene: DICER1 (dicer 1, ribonuclease III; minus strand). Cytogenetic location: 14q32.13.
Variant type: single nucleotide variant.
Coding change: c.3194T>C on transcript NM_177438.3 (MANE Select); coding-DNA position 3194, T replaced by C.
Protein change: p.Leu1065Ser; replaces leucine 1065 with serine.
Molecular consequence: missense variant.
Genome position (GRCh38, 1-based): chr14:95,105,146, A>G on the plus strand (T>C on the coding strand, the complement: DICER1 is on the minus strand). VCF-style: chr14-95105146-A-G. GRCh37 (hg19) VCF-style: chr14-95571483-A-G.
Other names: c.3194T>C, p.Leu1065Ser (NM_001195573.1, NM_001271282.3, NM_001291628.2 and 1 more transcripts); short protein forms L1065S.
Identifiers: ClinVar variation 1517204 (VCV001517204.9), dbSNP rs2139986758, ClinGen allele CA390876564.
Genomic context (GRCh38, chr14:95,105,146, plus strand): 5'-AGTGATCTGACTCCCACGCCAGCATCGCTGGCAGTCTGGGCTCTTAGCTCCTCTGCAGTC[A>G]AAAGGCAGTGAAGGCGATAAAGTATGCTGGGGAGACAAACAGCTTTTCTCCACAGTGATG-3'
Protein context (NP_803187.1, residues 1055-1075): PSILYRLHCL[Leu1065Ser]TAEELRAQTA